The following is an entry in ClinVar:

NM_000258.3(MYL3):c.337A>G (p.Thr113Ala)

Gene: MYL3 (myosin light chain 3; minus strand). Cytogenetic location: 3p21.31.
Variant type: single nucleotide variant.
Coding change: c.337A>G on transcript NM_000258.3 (MANE Select); coding-DNA position 337, A replaced by G.
Protein change: p.Thr113Ala; replaces threonine 113 with alanine.
Molecular consequence: missense variant.
Genome position (GRCh38, 1-based): chr3:46,859,619, T>C on the plus strand (A>G on the coding strand, the complement: MYL3 is on the minus strand). VCF-style: chr3-46859619-T-C. GRCh37 (hg19) VCF-style: chr3-46901109-T-C.
Other names: c.337A>G, p.Thr113Ala (NM_001406937.1, NM_001406938.1, NM_001406939.1); c.163A>G, p.Thr55Ala (NM_001406940.1, NM_001406941.1); short protein forms T113A, T55A.
Identifiers: ClinVar variation 2149018 (VCV002149018.5), dbSNP rs1701969056, ClinGen allele CA352496657.

ClinVar aggregate classification (germline): Uncertain significance. Review status: criteria provided, multiple submitters, no conflicts (2 of 4 stars). 2 submissions from 2 submitters: Uncertain significance (2). Last evaluated 2024-09-23.

Conditions:
Hypertrophic cardiomyopathy. Also called: HYPERTROPHIC MYOCARDIOPATHY. Identifiers: Orphanet 217569, MedGen C0007194, MeSH D002312, MONDO:0005045, HP:0001639.

Allele frequency attached by ClinVar (database versions not stated): TOPMed below 0.00001.

Submissions (2):

All of Us Research Program, National Institutes of Health
Classification: Uncertain significance for Hypertrophic cardiomyopathy. Last evaluated: 2024-09-23. Review status: criteria provided, single submitter. Criteria: ACMG Guidelines, 2015. Collection method: clinical testing. Allele origin: germline. Inheritance: Autosomal dominant inheritance. Observed: 2 variant alleles, 2 heterozygotes.
Comment: This missense variant replaces threonine with alanine at codon 113 of the MYL3 protein. Computational prediction suggests that this variant may not impact protein structure and function (internally defined REVEL score threshold <= 0.5, PMID: 27666373). To our knowledge, functional studies have not been reported for this variant. This variant has not been reported in individuals affected with MYL3-related disorders in the literature. This variant has not been identified in the general population by the Genome Aggregation Database (gnomAD). The available evidence is insufficient to determine the role of this variant in disease conclusively. Therefore, this variant is classified as a Variant of Uncertain Significance.

This study involves interpretation of variants in research participants for the purpose of population health screening. Participant phenotype was not available at the time of variant classification. Additional details can be found in publication PMID: 35346344, PMCID: PMC8962531

Labcorp Genetics (formerly Invitae), Labcorp
Classification: Uncertain significance for Hypertrophic cardiomyopathy. Last evaluated: 2022-07-06. Review status: criteria provided, single submitter. Criteria: Invitae Variant Classification Sherloc (09022015). Collection method: clinical testing. Allele origin: germline.
Comment: Algorithms developed to predict the effect of sequence changes on RNA splicing suggest that this variant may disrupt the consensus splice site. In summary, the available evidence is currently insufficient to determine the role of this variant in disease. Therefore, it has been classified as a Variant of Uncertain Significance. This sequence change replaces threonine, which is neutral and polar, with alanine, which is neutral and non-polar, at codon 113 of the MYL3 protein (p.Thr113Ala). This variant is not present in population databases (gnomAD no frequency). This variant has not been reported in the literature in individuals affected with MYL3-related conditions. Algorithms developed to predict the effect of missense changes on protein structure and function (SIFT, PolyPhen-2, Align-GVGD) all suggest that this variant is likely to be tolerated.